The following is an entry in ClinVar:

NM_030665.4(RAI1):c.3840G>A (p.Lys1280=)

Gene: RAI1 (retinoic acid induced 1; plus strand). Cytogenetic location: 17p11.2.
Variant type: single nucleotide variant.
Coding change: c.3840G>A on transcript NM_030665.4 (MANE Select); coding-DNA position 3840, G replaced by A.
Protein change: p.Lys1280=; no amino-acid change (lysine 1280 retained).
Molecular consequence: synonymous variant.
Genome position (GRCh38, 1-based): chr17:17,796,788, G>A. VCF-style: chr17-17796788-G-A. GRCh37 (hg19) VCF-style: chr17-17700102-G-A.
Other names: c.3840G>A (NM_030665.3).
Identifiers: ClinVar variation 1594651 (VCV001594651.9), dbSNP rs762679614, ClinGen allele CA8418833.

ClinVar aggregate classification (germline): Likely benign. Review status: criteria provided, single submitter (1 of 4 stars). 2 submissions from 2 submitters: Likely benign (1). 1 of the submissions does not count toward it. Last evaluated 2025-05-16.

Conditions:
RAI1-related disorder. Also called: RAI1-related condition.

Allele frequency attached by ClinVar (database versions not stated): gnomAD 0.00001 and 0.00002; gnomAD exomes 0.00001 and 0.00002; TOPMed 0.00001; ExAC 0.00002.
gnomAD v4.1: 12 of 1,612,730 alleles (0.00074%); highest among the groups gnomAD compares: Admixed American, 0.0067%; no homozygotes.

Submissions (2):

Labcorp Genetics (formerly Invitae), Labcorp
Classification: Likely benign. Last evaluated: 2025-05-16. Review status: criteria provided, single submitter. Criteria: Invitae Variant Classification Sherloc (09022015). Collection method: clinical testing. Allele origin: germline.

PreventionGenetics, part of Exact Sciences
Classification: Likely benign for RAI1-related condition. Last evaluated: 2022-10-25. Review status: no assertion criteria provided. Collection method: clinical testing. Allele origin: germline. Not counted in ClinVar's aggregate classification.
Comment: This variant is classified as likely benign based on ACMG/AMP sequence variant interpretation guidelines (Richards et al. 2015 PMID: 25741868, with internal and published modifications).